The following is an entry in ClinVar:

ClinVar aggregate classification (germline): Conflicting classifications of pathogenicity. Review status: criteria provided, conflicting classifications (1 of 4 stars). 3 submissions from 3 submitters: Uncertain significance (1); Likely benign (2). Last evaluated 2024-08-08.

Conditions:
Hypercholesterolemia, familial, 4 (FHCL4). Also called: HYPERCHOLESTEROLEMIA, AUTOSOMAL RECESSIVE, 1; HYPERCHOLESTEROLEMIA, AUTOSOMAL RECESSIVE, 2. Identifiers: Orphanet 391665, MedGen C1863512, MONDO:0011374, OMIM 603813.

Submissions (3):

GENinCode PLC
Classification: Likely benign for Hypercholesterolemia, familial, 4. Last evaluated: 2024-08-08. Review status: criteria provided, single submitter. Criteria: ACMG Guidelines, 2015. Collection method: clinical testing. Allele origin: germline.
Comment: This is a synonymous (silent) variant that is not predicted by SpliceAI to impact splicing. In addition, it occurs at a nucleotide that is not conserved. Therefore this variant has been classified as Likely Benign (BP4, BP7).

Labcorp Genetics (formerly Invitae), Labcorp
Classification: Likely benign for Hypercholesterolemia, familial, 4. Last evaluated: 2023-10-14. Review status: criteria provided, single submitter. Criteria: Invitae Variant Classification Sherloc (09022015). Collection method: clinical testing. Allele origin: germline.

Illumina Laboratory Services, Illumina
Classification: Uncertain significance for Hypercholesterolemia, familial, 4. Last evaluated: 2018-01-12. Review status: criteria provided, single submitter. Criteria: ICSL Variant Classification Criteria 13 December 2019. Collection method: clinical testing. Allele origin: germline.

NM_015627.3(LDLRAP1):c.414C>T (p.Asn138=)

Gene: LDLRAP1 (low density lipoprotein receptor adaptor protein 1; plus strand). Cytogenetic location: 1p36.11.
Variant type: single nucleotide variant.
Coding change: c.414C>T on transcript NM_015627.3 (MANE Select); coding-DNA position 414, C replaced by T.
Protein change: p.Asn138=; no amino-acid change (asparagine 138 retained).
Molecular consequence: synonymous variant.
Genome position (GRCh38, 1-based): chr1:25,557,222, C>T. VCF-style: chr1-25557222-C-T. GRCh37 (hg19) VCF-style: chr1-25883713-C-T.
Identifiers: ClinVar variation 296977 (VCV000296977.10), dbSNP rs1057515536, ClinGen allele CA10610794.